The following is an entry in ClinVar:

ClinVar aggregate classification (germline): Conflicting classifications of pathogenicity. Review status: criteria provided, conflicting classifications (1 of 4 stars). 4 submissions from 4 submitters: Uncertain significance (3); Benign (1). Last evaluated 2025-09-09.

Conditions:
Familial adenomatous polyposis 2. Also called: MYH-associated polyposis; Adenomas, multiple colorectal; COLORECTAL ADENOMATOUS POLYPOSIS, AUTOSOMAL RECESSIVE; ADENOMAS, MULTIPLE COLORECTAL, AUTOSOMAL RECESSIVE; MUTYH Polyposis; FAP type 2. Identifiers: Orphanet 220460, Orphanet 247798, MedGen C3272841, MONDO:0012041, OMIM 608456.
Hereditary cancer-predisposing syndrome. Also called: Tumor predisposition; Neoplastic Syndromes, Hereditary; Hereditary Cancer Syndrome; Hereditary neoplastic syndrome. Identifiers: Orphanet 140162, MedGen C0027672, MeSH D009386, MONDO:0015356.

Allele frequency attached by ClinVar (database versions not stated): gnomAD exomes below 0.00001.

Submissions (4):

Ambry Genetics
Classification: Benign for Hereditary cancer-predisposing syndrome. Last evaluated: 2025-09-09. Review status: criteria provided, single submitter. Criteria: Ambry Variant Classification Scheme 2023. Collection method: clinical testing. Allele origin: germline.

Labcorp Genetics (formerly Invitae), Labcorp
Classification: Uncertain significance for Familial adenomatous polyposis 2. Last evaluated: 2025-09-08. Review status: criteria provided, single submitter. Criteria: Invitae Variant Classification Sherloc (09022015). Collection method: clinical testing. Allele origin: germline.
Comment: This sequence change replaces serine, which is neutral and polar, with cysteine, which is neutral and slightly polar, at codon 518 of the MUTYH protein (p.Ser518Cys). This variant is not present in population databases (gnomAD no frequency). This variant has not been reported in the literature in individuals affected with MUTYH-related conditions. ClinVar contains an entry for this variant (Variation ID: 1809569). An algorithm developed to predict the effect of missense changes on protein structure and function (PolyPhen-2) suggests that this variant is likely to be tolerated. In summary, the available evidence is currently insufficient to determine the role of this variant in disease. Therefore, it has been classified as a Variant of Uncertain Significance.

Baylor Genetics
Classification: Uncertain significance for Familial adenomatous polyposis 2. Last evaluated: 2023-05-11. Review status: criteria provided, single submitter. Criteria: ACMG Guidelines, 2015. Collection method: clinical testing. Allele origin: unknown.

Quest Diagnostics Nichols Institute San Juan Capistrano
Classification: Uncertain significance. Last evaluated: 2021-09-05. Review status: criteria provided, single submitter. Criteria: Quest Diagnostics criteria. Collection method: clinical testing. Allele origin: unknown.

NM_001048174.2(MUTYH):c.1468A>T (p.Ser490Cys)

Gene: MUTYH (mutY DNA glycosylase; minus strand). Cytogenetic location: 1p34.1.
Variant type: single nucleotide variant.
Coding change: c.1468A>T on transcript NM_001048174.2 (MANE Select); coding-DNA position 1468, A replaced by T.
Protein change: p.Ser490Cys; replaces serine 490 with cysteine.
Molecular consequence: missense variant. On other transcripts: non-coding transcript variant (2).
Genome position (GRCh38, 1-based): chr1:45,329,404, T>A on the plus strand (A>T on the coding strand, the complement: MUTYH is on the minus strand). VCF-style: chr1-45329404-T-A. GRCh37 (hg19) VCF-style: chr1-45795076-T-A.
Other names: c.1471A>T, p.Ser491Cys (NM_001048172.2, NM_001407078.1, NM_001407071.1 and 1 more transcripts); c.1468A>T, p.Ser490Cys (NM_001048173.2, NM_001407072.1, NM_001407073.1 and 6 more transcripts); c.1552A>T, p.Ser518Cys (NM_001128425.2); c.1384A>T, p.Ser462Cys (NM_001407075.1); c.1501A>T, p.Ser501Cys (NM_001407077.1, NM_001293191.2, NM_001407069.1); c.1429A>T, p.Ser477Cys (NM_001407079.1); c.1426A>T, p.Ser476Cys (NM_001407080.1); c.1123A>T, p.Ser375Cys (NM_001407082.1, NM_001350650.2, NM_001350651.2); and 5 more; short protein forms S375C, S398C, S462C, S476C, S477C, S490C, S491C, S497C.
Identifiers: ClinVar variation 1809569 (VCV001809569.7), dbSNP rs1380281188, ClinGen allele CA340131834.
Genomic context (GRCh38, chr1:45,329,404, plus strand): 5'-AGATGTGAGACCGAAAGAAATTATCCAGGACTTGCTGGCCCATGCGGGGCTTTTTCCGAC[T>A]GCACGGAGAGGACACCTGGGACCTTTTGGAACCCTGTGAAAAAATGGAAGGAGGGAGGCC-3'
Protein context (NP_001041639.1, residues 480-500): SKRSQVSSPC[Ser490Cys]RKKPRMGQQV